The following is an entry in ClinVar:

ClinVar aggregate classification (germline): Conflicting classifications of pathogenicity; risk factor. Review status: criteria provided, conflicting classifications (1 of 4 stars). 11 submissions from 10 submitters: Pathogenic (2); Pathogenic, low penetrance (1); Likely risk allele (1); Benign (1); Likely benign (1). 3 of the submissions do not count toward it. Last evaluated 2026-02-01.

Conditions:
Hyalinosis, Segmental Glomerular. Identifiers: MedGen C0086432, MeSH D005923.
Kidney failure. Identifiers: MedGen C0035078, MONDO:0001106.
Focal segmental glomerulosclerosis 4, susceptibility to (FSGS4). Identifiers: Orphanet 84271, MedGen C2675525, MONDO:0012931, OMIM 612551.
Nephrotic range proteinuria. Identifiers: MedGen C0445118, HP:0012593.
Focal segmental glomerulosclerosis (FSGS). Also called: Glomerulosclerosis, focal; Focal sclerosis with hyalinosis. Identifiers: MedGen C0017668, MONDO:0100313, HP:0000097. Disease mechanism: loss of function.

Submissions (11):

Labcorp Genetics (formerly Invitae), Labcorp
Classification: Pathogenic, low penetrance. Last evaluated: 2026-02-01. Review status: criteria provided, single submitter. Criteria: Invitae Variant Classification Sherloc (09022015). Collection method: clinical testing. Allele origin: germline.
Comment: This variant, c.1164_1169del, results in the deletion of 2 amino acid(s) of the APOL1 protein (p.Asn388_Tyr389del), but otherwise preserves the integrity of the reading frame. This variant is present in population databases (rs143830837, gnomAD 14%), and has an allele count higher than expected for a pathogenic variant. This variant constitutes the “G2” allele of APOL1. This allele is associated with increased risk for progressive proteinuric nephropathy and kidney disease in individuals of African-American ancestry when present in homozygosity or in trans with the “G1” allele (which is composed of the c.1024A>G (p.Ser342Gly) and c.1152T>G (p.Ile384Met) variants in cis). Several large case-control studies have shown a 6- to 47-fold increased risk of focal segmental glomerulosclerosis, HIV-associated nephropathy, or non-diabetic end-stage kidney disease in individuals with homozygous G1, homozygous G2, or G1 in trans with G2 alleles (PMID: 20647424, 20635188, 21997394). Similar studies in African populations have generally recapitulated these findings, but these studies are based on a relatively small number of individuals (PMID: 30340464, 25788523). A recent PheWAS study also appears to support these findings, although the risk of end-stage kidney disease may be smaller than initially assumed (closer to 3- to 4-fold; PMID: 32247630). ClinVar contains an entry for this variant (Variation ID: 6081). Algorithms developed to predict the effect of variants on gene product structure and function are not available or were not evaluated for this variant. Experimental studies are conflicting or provide insufficient evidence to determine the effect of this variant on APOL1 function (PMID: 30332315, 32675303). In summary, this variant has been shown to confer an increased risk for kidney disease, either in homozygosity or in trans with the G1 allele. However, not all individuals with this variant in homozygosity or in trans with the G1 allele will be clinically affected. For these reasons, this change has been classified as Pathogenic (low penetrance).

Variantyx, Inc.
Classification: Pathogenic for Focal segmental glomerulosclerosis 4, susceptibility to. Last evaluated: 2025-03-27. Review status: criteria provided, single submitter. Criteria: Variantyx Assertion Criteria 2022. Collection method: clinical testing. Allele origin: germline.
Comment: This is an in-frame deletion variant in the APOL1 gene (OMIM: 603743). Pathogenic variants in this gene have been associated with autosomal recessive susceptibility to segmental glomerulosclerosis 4. This variant causes an in-frame deletion of two amino acids at position 388 of the APOL1 protein (PM4). This variant is typically referred to as the G2 allele and is common in individuals of African ancestry. Homozygosity or compound heterozygosity of this variant with the G1 allele (p.[Ser342Gly;Ile384Met]) have been associated with an increased increased risk for chronic kidney disease, including focal segmental glomerulosclerosis (FSGS) and HIV-associated nephropathy (HIVAN). Equivalent risk associations have been observed for the G1/G1, G1/G2 and G2/G2 genotypes, with the strongest effect across studies detected for HIVAN (OR=29, 95% CI 13-68.5), followed by FSGS (OR=17, 95% CI 11-26) (PMID: 21997394, 24206458, 24379297, 25853332, 25168832) (PS4). Functional studies have shown that this variant alters APOL1 protein function (PMID: 28218918, 28650456) (PS3). This variant has a 14% maximum allele frequency in non-founder control populations. Based on the current evidence, this variant is classified as pathogenic with low penetrance for autosomal recessive susceptibility to segmental glomerulosclerosis 4.

Women's Health and Genetics/Laboratory Corporation of America, LabCorp
Classification: Likely benign. Last evaluated: 2024-04-29. Review status: criteria provided, single submitter. Criteria: LabCorp Variant Classification Summary - May 2015. Collection method: clinical testing. Allele origin: germline.

Mendelics
Classification: Likely risk allele for Focal segmental glomerulosclerosis 4, susceptibility to. Last evaluated: 2023-03-24. Review status: criteria provided, single submitter. Criteria: Mendelics Assertion Criteria 2019. Collection method: clinical testing. Allele origin: germline.

AURAGEN, Plan France Médecine Génomique
Classification: Pathogenic for Kidney failure. Last evaluated: 2021-07-24. Review status: criteria provided, single submitter. Criteria: PFMG2025 (Lancet Reg Health Eur. 2025). Collection method: clinical testing. Allele origin: germline. Affected: yes.

Laboratory for Molecular Medicine, Mass General Brigham Personalized Medicine
Classification: risk factor for Hyalinosis, Segmental Glomerular. Last evaluated: 2020-03-04. Review status: criteria provided, single submitter. Criteria: LMM Criteria. Collection method: clinical testing. Allele origin: germline. Observed: 36 variant alleles.
Comment: APOL1 c.1164_1169del (p.Asn388_Tyr389del), traditionally referred to as G1, has been associated with increased risk for multiple renal diseases in African Americans, particularly focal segmental glomerulosclerosis (FSGS), as well as an increased risk for end-stage kidney disease (ESKD). This variant is common in individuals of African ancestry (14%, Genome Aggregation Database (gnomAD); rs71785313) and is present in ClinVar (ID: 6081). Several small case-control studies have reported odds ratios between 3.92-25.1 for developing FSGS/HIVAN in homozygous individuals (OR=3.92 [95% CI 1.47-9.39] for FSGS/HIVAN Ito 2014, OR=14.4 [95% CI 1.7-116.3] for HIVAN, OR=25.1 [95% CI 8.8-83.3] for FSGS Kopp 2011, OR=5.69 [95% CI not given, P<0.00001] Limou 2015). In vitro and in vivo studies provide some evidence that these alleles impact protein function (Beckerman 2017, Hayek 2017). In summary, this variant is an established risk factor for chronic kidney disease in homozygous state.

GeneDx
Classification: Benign. Last evaluated: 2019-02-07. Review status: criteria provided, single submitter. Criteria: GeneDx Variant Classification Process June 2021. Collection method: clinical testing. Allele origin: germline. Affected: yes.

Molecular Diagnostics Lab, Nemours Children's Health, Delaware
Classification: risk factor for Focal segmental glomerulosclerosis 4, susceptibility to. Last evaluated: 2015-02-27. Review status: criteria provided, single submitter. Criteria: ACMG Guidelines, 2015. Collection method: clinical testing. Allele origin: unknown, biparental. Affected: no and yes. Observed: 5 variant alleles.

OMIM
Classification: risk factor for FOCAL SEGMENTAL GLOMERULOSCLEROSIS 4, SUSCEPTIBILITY TO. Last evaluated: 2010-08-13. Review status: no assertion criteria provided. Collection method: literature only. Allele origin: germline. Not counted in ClinVar's aggregate classification.

NIHR Bioresource Rare Diseases, University of Cambridge
Classification: Pathogenic for Focal segmental glomerulosclerosis. Review status: no assertion criteria provided. Collection method: research. Allele origin: unknown. Affected: yes. Observed: 2 variant alleles. Not counted in ClinVar's aggregate classification.

NIHR Bioresource Rare Diseases, University of Cambridge
Classification: Pathogenic for Nephrotic range proteinuria. Review status: no assertion criteria provided. Collection method: research. Allele origin: unknown. Affected: yes. Observed: 1 variant allele. Not counted in ClinVar's aggregate classification.

Literature cited by the submitters: PubMed 20647424 (cited by 3 submitters); PubMed 20635188 (cited by Labcorp Genetics (formerly Invitae), Labcorp and Laboratory for Molecular Medicine, Mass General Brigham Personalized Medicine); PubMed 21997394 (cited by Labcorp Genetics (formerly Invitae), Labcorp and Laboratory for Molecular Medicine, Mass General Brigham Personalized Medicine); PubMed 30340464 (cited by Labcorp Genetics (formerly Invitae), Labcorp); PubMed 25788523 (cited by Labcorp Genetics (formerly Invitae), Labcorp); PubMed 30332315 (cited by Labcorp Genetics (formerly Invitae), Labcorp); PubMed 32675303 (cited by Labcorp Genetics (formerly Invitae), Labcorp); PubMed 24206458 (cited by Laboratory for Molecular Medicine, Mass General Brigham Personalized Medicine); PubMed 25993319 (cited by Laboratory for Molecular Medicine, Mass General Brigham Personalized Medicine); PubMed 28218918 (cited by Laboratory for Molecular Medicine, Mass General Brigham Personalized Medicine); PubMed 28650456 (cited by Laboratory for Molecular Medicine, Mass General Brigham Personalized Medicine); PubMed 20668430 (cited by Laboratory for Molecular Medicine, Mass General Brigham Personalized Medicine); PubMed 32581362 (cited by NIHR Bioresource Rare Diseases, University of Cambridge).

NM_003661.4(APOL1):c.1164_1169del (p.Asn388_Tyr389del)

Gene: APOL1 (apolipoprotein L1; plus strand). Cytogenetic location: 22q12.3.
Variant type: Deletion.
Coding change: c.1164_1169del on transcript NM_003661.4 (MANE Select); coding-DNA positions 1164 to 1169, 6 bases deleted (TTATAA; older notation c.1164_1169delTTATAA).
Protein change: p.Asn388_Tyr389del.
Molecular consequence: inframe deletion.
Genome position (GRCh38, 1-based): chr22:36,266,000-36,266,005, TTATAA deleted; deleting any 6 consecutive bases within chr22:36,265,996-36,266,005 gives the same sequence; the c. name uses the placement nearest the transcript's 3' end. VCF-style (leftmost placement, unchanged base first): chr22-36265995-AATAATT-A. GRCh37 (hg19) VCF-style: chr22-36662041-AATAATT-A.
Other names: c.1212_1217delTTATAA (NM_145343.2); c.1164_1169del, p.Asn388_Tyr389del (NM_001136540.2); c.1110_1115del, p.Asn370_Tyr371del (NM_001136541.2, NM_001362927.2); c.1212_1217del, p.Asn404_Tyr405del (NM_145343.3); c.1164_1169delTTATAA (NM_003661.3, NM_003661.4).
Identifiers: ClinVar variation 6081 (VCV000006081.25), dbSNP rs71785313, ClinGen allele CA117932.